The following is an entry in ClinVar:

ClinVar aggregate classification (germline): Benign (1 of 4 stars; one submission).

Allele frequency attached by ClinVar (database versions not stated): 1000 Genomes Project 30x 0.18645; 1000 Genomes Project 0.18830; TOPMed 0.19838; gnomAD 0.20189 and 0.20397; gnomAD exomes 0.21809.

Submission:

GeneDx
Classification: Benign. Last evaluated: 2018-06-16. Review status: criteria provided, single submitter. Criteria: GeneDx Variant Classification (06012015). Collection method: clinical testing. Allele origin: germline. Affected: yes.
Comment: This variant is considered likely benign or benign based on one or more of the following criteria: it is a conservative change, it occurs at a poorly conserved position in the protein, it is predicted to be benign by multiple in silico algorithms, and/or has population frequency not consistent with disease.

NM_018451.5(CPAP):c.3825-135_3825-134dup

Genes: CPAP (centrosome assembly and centriole elongation protein; minus strand), RNF17 (ring finger protein 17; plus strand). Cytogenetic location: 13q12.12.
Variant type: Duplication.
Coding change: c.3825-135_3825-134dup on transcript NM_018451.5 (MANE Select); 135 bases into the intron before coding-DNA position 3825 through 134 bases into the intron before coding-DNA position 3825, 2 bases duplicated (AA; older notation c.3825-135_3825-134dupAA).
Molecular consequence: intron variant.
Genome position (GRCh38, 1-based): chr13:24,883,503-24,883,504, TT duplicated on the plus strand (AA on the coding strand, the reverse complement: CPAP is on the minus strand). VCF-style (leftmost placement, unchanged base first): chr13-24883502-A-ATT. GRCh37 (hg19) VCF-style: chr13-25457640-A-ATT.
Identifiers: ClinVar variation 680182 (VCV000680182.1), dbSNP rs151060650, ClinGen allele CA247124493.